The following is an entry in ClinVar:

NM_012418.4(FSCN2):c.1312_1329dup (p.Ser438_Gly443dup)

Gene: FSCN2 (fascin actin-bundling protein 2, retinal; plus strand). Cytogenetic location: 17q25.3.
Variant type: Duplication.
Coding change: c.1312_1329dup on transcript NM_012418.4 (MANE Select); coding-DNA positions 1312 to 1329, 18 bases duplicated (AGCGTGTGCAGCGACGGC).
Protein change: p.Ser438_Gly443dup.
Molecular consequence: inframe insertion.
Genome position (GRCh38, 1-based): chr17:81,536,913-81,536,930, AGCGTGTGCAGCGACGGC duplicated; duplicating any 18 consecutive bases within chr17:81,536,908-81,536,930 gives the same sequence; the c. name uses the placement nearest the transcript's 3' end. VCF-style (leftmost placement, unchanged base first): chr17-81536907-C-CACGGCAGCGTGTGCAGCG. GRCh37 (hg19) VCF-style: chr17-79503933-C-CACGGCAGCGTGTGCAGCG.
Other names: c.1384_1401dup, p.Ser462_Gly467dup (NM_001077182.3).
Identifiers: ClinVar variation 1038707 (VCV001038707.8), dbSNP rs753094983, ClinGen allele CA8837105.

ClinVar aggregate classification (germline): Uncertain significance (1 of 4 stars; one submission).

Submission:

Labcorp Genetics (formerly Invitae), Labcorp
Classification: Uncertain significance. Last evaluated: 2020-09-12. Review status: criteria provided, single submitter. Criteria: Invitae Variant Classification Sherloc (09022015). Collection method: clinical testing. Allele origin: germline.
Comment: This variant, c.1384_1401dup, results in the insertion of 6 amino acid(s) to the FSCN2 protein (p.Ser462_Gly467dup), but otherwise preserves the integrity of the reading frame. In summary, the available evidence is currently insufficient to determine the role of this variant in disease. Therefore, it has been classified as a Variant of Uncertain Significance. Experimental studies and prediction algorithms are not available or were not evaluated, and the functional significance of this variant is currently unknown. This variant has not been reported in the literature in individuals with FSCN2-related conditions. The frequency data for this variant in the population databases is considered unreliable, as metrics indicate poor data quality at this position in the ExAC database.